The following is an entry in ClinVar:

NM_000204.5(CFI):c.1333G>A (p.Glu445Lys)

Gene: CFI (complement factor I; minus strand). Cytogenetic location: 4q25.
Variant type: single nucleotide variant.
Coding change: c.1333G>A on transcript NM_000204.5 (MANE Select); coding-DNA position 1333, G replaced by A.
Protein change: p.Glu445Lys; replaces glutamic acid 445 with lysine.
Molecular consequence: missense variant. On other transcripts: non-coding transcript variant (2).
Genome position (GRCh38, 1-based): chr4:109,746,318, C>T on the plus strand (G>A on the coding strand, the complement: CFI is on the minus strand). VCF-style: chr4-109746318-C-T. GRCh37 (hg19) VCF-style: chr4-110667474-C-T.
Other names: c.1357G>A, p.Glu453Lys (NM_001318057.2, NM_001375278.1); c.1312G>A, p.Glu438Lys (NM_001331035.2, NM_001375280.1, NM_001375282.1); c.1333G>A, p.Glu445Lys (NM_001375279.1, NM_001375281.1); c.1276G>A, p.Glu426Lys (NM_001375283.1); c.724G>A, p.Glu242Lys (NM_001375284.1); short protein forms E242K, E426K, E438K, E445K, E453K.
Identifiers: ClinVar variation 1714685 (VCV001714685.5), dbSNP rs368208974, ClinGen allele CA103689362.

ClinVar aggregate classification (germline): Uncertain significance (1 of 4 stars; one submission).

Submission:

Labcorp Genetics (formerly Invitae), Labcorp
Classification: Uncertain significance. Last evaluated: 2022-09-26. Review status: criteria provided, single submitter. Criteria: Invitae Variant Classification Sherloc (09022015). Collection method: clinical testing. Allele origin: germline.
Comment: This sequence change replaces glutamic acid, which is acidic and polar, with lysine, which is basic and polar, at codon 445 of the CFI protein (p.Glu445Lys). This variant is not present in population databases (gnomAD no frequency). This variant has not been reported in the literature in individuals affected with CFI-related conditions. Advanced modeling of protein sequence and biophysical properties (such as structural, functional, and spatial information, amino acid conservation, physicochemical variation, residue mobility, and thermodynamic stability) performed at Invitae indicates that this missense variant is not expected to disrupt CFI protein function. Algorithms developed to predict the effect of sequence changes on RNA splicing suggest that this variant may disrupt the consensus splice site. In summary, the available evidence is currently insufficient to determine the role of this variant in disease. Therefore, it has been classified as a Variant of Uncertain Significance.